The following is an entry in ClinVar:

NM_000238.4(KCNH2):c.2246G>A (p.Gly749Asp)

Gene: KCNH2 (potassium voltage-gated channel subfamily H member 2; minus strand). Cytogenetic location: 7q36.1.
Variant type: single nucleotide variant.
Coding change: c.2246G>A on transcript NM_000238.4 (MANE Select); coding-DNA position 2246, G replaced by A.
Protein change: p.Gly749Asp; replaces glycine 749 with aspartic acid.
Molecular consequence: missense variant. On other transcripts: non-coding transcript variant (2).
Genome position (GRCh38, 1-based): chr7:150,950,320, C>T on the plus strand (G>A on the coding strand, the complement: KCNH2 is on the minus strand). VCF-style: chr7-150950320-C-T. GRCh37 (hg19) VCF-style: chr7-150647408-C-T.
Other names: c.1226G>A, p.Gly409Asp (NM_001204798.2, NM_172057.3); c.1958G>A, p.Gly653Asp (NM_001406753.1, NM_001406756.1); c.2069G>A, p.Gly690Asp (NM_001406755.1); c.1946G>A, p.Gly649Asp (NM_001406757.1); c.2246G>A, p.Gly749Asp (NM_172056.3); short protein forms G653D, G409D, G749D, G649D, G690D.
Identifiers: ClinVar variation 2773440 (VCV002773440.2), dbSNP rs199472989, ClinGen allele CA369856452.
Genomic context (GRCh38, chr7:150,950,320, plus strand): 5'-AGTGTGTCCCCTGGCGGTGCATGTGTGGTCTTGAACTTCATGGCCAGGGCCCGAAGGCAG[C>T]CCTTGGTGGCCCCTCGGAAGGGTTTGCAGTGCTGCAGCAGTGAGCGGTTCAGGTGCAGGC-3'
Protein context (NP_000229.1, residues 739-759): HCKPFRGATK[Gly749Asp]CLRALAMKFK

ClinVar aggregate classification (germline): Uncertain significance (1 of 4 stars; one submission).

Conditions:
Cardiac arrhythmia. Also called: Arrhythmia; Cardiac rhythm disease. Identifiers: MedGen C0003811, MONDO:0007263, HP:0011675.

Submission:

Color Diagnostics, LLC DBA Color Health
Classification: Uncertain significance for Cardiac arrhythmia. Last evaluated: 2022-11-21. Review status: criteria provided, single submitter. Criteria: ACMG Guidelines, 2015. Collection method: clinical testing. Allele origin: germline.
Comment: This missense variant replaces glycine with aspartic acid at codon 749 of the KCNH2 protein. Computational prediction suggests that this variant may have deleterious impact on protein structure and function (internally defined REVEL score threshold >= 0.7, PMID: 27666373). To our knowledge, functional studies have not been reported for this variant. This variant has not been reported in individuals affected with KCNH2-related disorders in the literature. This variant has not been identified in the general population by the Genome Aggregation Database (gnomAD). The available evidence is insufficient to determine the role of this variant in disease conclusively. Therefore, this variant is classified as a Variant of Uncertain Significance.